The following is an entry in ClinVar:

NC_000001.10:g.216373413A>G

Genes: USH2A-AS1 (USH2A antisense RNA 1; plus strand), USH2A (usherin; minus strand). Cytogenetic location: 1q41.
Variant type: single nucleotide variant.
Molecular consequence: missense variant (on NM_206933.4).
Genome position: GRCh38 VCF-style: chr1-216200071-A-G. GRCh37 (hg19) VCF-style: chr1-216373413-A-G.
Other names: c.3367T>C, p.Tyr1123His (NM_007123.6, NM_206933.4); short protein forms Y1123H.
Identifiers: ClinVar variation 242590 (VCV000242590.7), dbSNP rs794729204, ClinGen allele CA353786.

ClinVar aggregate classification (germline): Pathogenic/Likely pathogenic. Review status: criteria provided, multiple submitters, no conflicts (2 of 4 stars). 3 submissions from 3 submitters: Pathogenic (1); Likely pathogenic (2). Last evaluated 2025-04-30.

Conditions:
USH2A-related disorder. Also called: USH2A-related disorders; USH2A-related condition. Identifiers: MedGen CN239332.
Usher syndrome. Also called: Usher Syndromes; Usher's syndrome. Identifiers: Orphanet 886, MedGen CN469326, MeSH D052245, MONDO:0019501. Disease mechanism: loss of function.

Allele frequency attached by ClinVar (database versions not stated): gnomAD 0.00001; gnomAD exomes 0.00002 and 0.00004.
gnomAD v4.1: 35 of 1,613,674 alleles (0.0022%); highest among the groups gnomAD compares: Non-Finnish European, 0.00017%; no homozygotes.

Submissions (3):

Women's Health and Genetics/Laboratory Corporation of America, LabCorp
Classification: Likely pathogenic for Usher syndrome. Last evaluated: 2025-04-30. Review status: criteria provided, single submitter. Criteria: LabCorp Variant Classification Summary - May 2015. Collection method: clinical testing. Allele origin: germline.
Comment: Variant summary: USH2A c.3367T>C (p.Tyr1123His) results in a conservative amino acid change in the encoded protein sequence. Four of five in-silico tools predict a damaging effect of the variant on protein function. The variant allele was found at a frequency of 4.4e-05 in 250862 control chromosomes. This frequency is not significantly higher than estimated for a pathogenic variant in USH2A causing Usher Syndrome (4.4e-05 vs 0.011), allowing no conclusion about variant significance. c.3367T>C has been observed in individual(s) affected with retinitis pigmentosa (Su_2022, Invitae). These data indicate that the variant may be associated with disease. To our knowledge, no experimental evidence demonstrating an impact on protein function has been reported. A different variant affecting the same codon has been classified as pathogenic by our lab (c.3368A>G(p.Tyr1123Cys)), supporting the critical relevance of codon 1123 to USH2A protein function. The following publication has been ascertained in the context of this evaluation (PMID: 36034145). ClinVar contains an entry for this variant (Variation ID: 242590). Based on the evidence outlined above, the variant was classified as likely pathogenic.

Labcorp Genetics (formerly Invitae), Labcorp
Classification: Pathogenic. Last evaluated: 2024-06-12. Review status: criteria provided, single submitter. Criteria: Invitae Variant Classification Sherloc (09022015). Collection method: clinical testing. Allele origin: germline.
Comment: This sequence change replaces tyrosine, which is neutral and polar, with histidine, which is basic and polar, at codon 1123 of the USH2A protein (p.Tyr1123His). This variant is present in population databases (rs794729204, gnomAD 0.05%). This missense change has been observed in individuals with retinitis pigmentosa (PMID: 28559085; Invitae). ClinVar contains an entry for this variant (Variation ID: 242590). Advanced modeling of protein sequence and biophysical properties (such as structural, functional, and spatial information, amino acid conservation, physicochemical variation, residue mobility, and thermodynamic stability) performed at Invitae indicates that this missense variant is expected to disrupt USH2A protein function with a positive predictive value of 95%. This variant disrupts the p.Tyr1123 amino acid residue in USH2A. Other variant(s) that disrupt this residue have been determined to be pathogenic (PMID: 24367894, 26927203, 33576794; Invitae). This suggests that this residue is clinically significant, and that variants that disrupt this residue are likely to be disease-causing. For these reasons, this variant has been classified as Pathogenic.

Blueprint Genetics
Classification: Likely pathogenic for USH2A-related disorders. Last evaluated: 2023-06-08. Review status: criteria provided, single submitter. Criteria: ACMG Guidelines, 2015. Collection method: clinical testing. Allele origin: germline. Affected: yes. Observed: 5 variant alleles.

Literature cited by the submitters: PubMed 36034145 (cited by Women's Health and Genetics/Laboratory Corporation of America, LabCorp); PubMed 28559085 (cited by Labcorp Genetics (formerly Invitae), Labcorp); PubMed 24367894 (cited by Labcorp Genetics (formerly Invitae), Labcorp); PubMed 26927203 (cited by Labcorp Genetics (formerly Invitae), Labcorp); PubMed 33576794 (cited by Labcorp Genetics (formerly Invitae), Labcorp).